The following is an entry in ClinVar:

ClinVar aggregate classification (germline): Uncertain significance (1 of 4 stars; one submission).

Conditions:
Charcot-Marie-Tooth disease, type I (CMT1). Also called: Charcot-Marie-Tooth disease type 1; Charcot-Marie-Tooth, Type 1. Identifiers: Orphanet 65753, MedGen C0751036, MONDO:0019011.

Submission:

Labcorp Genetics (formerly Invitae), Labcorp
Classification: Uncertain significance for Charcot-Marie-Tooth disease, type I. Last evaluated: 2019-07-16. Review status: criteria provided, single submitter. Criteria: Invitae Variant Classification Sherloc (09022015). Collection method: clinical testing. Allele origin: germline.
Comment: In summary, the available evidence is currently insufficient to determine the role of this variant in disease. Therefore, it has been classified as a Variant of Uncertain Significance. This sequence change replaces glutamine with proline at codon 86 of the MPZ protein (p.Gln86Pro). The glutamine residue is highly conserved and there is a moderate physicochemical difference between glutamine and proline. This variant is not present in population databases (ExAC no frequency). This variant has not been reported in the literature in individuals with MPZ-related conditions. Algorithms developed to predict the effect of missense changes on protein structure and function (SIFT, PolyPhen-2, Align-GVGD) all suggest that this variant is likely to be disruptive, but these predictions have not been confirmed by published functional studies and their clinical significance is uncertain.

NM_000530.8(MPZ):c.257A>C (p.Gln86Pro)

Gene: MPZ (myelin protein zero; minus strand). Cytogenetic location: 1q23.3.
Variant type: single nucleotide variant.
Coding change: c.257A>C on transcript NM_000530.8 (MANE Select); coding-DNA position 257, A replaced by C.
Protein change: p.Gln86Pro; replaces glutamine 86 with proline.
Molecular consequence: missense variant.
Genome position (GRCh38, 1-based): chr1:161,306,899, T>G on the plus strand (A>C on the coding strand, the complement: MPZ is on the minus strand). VCF-style: chr1-161306899-T-G. GRCh37 (hg19) VCF-style: chr1-161276689-T-G.
Other names: c.257A>C, p.Gln86Pro (NM_001315491.2); short protein forms Q86P.
Identifiers: ClinVar variation 944407 (VCV000944407.9), dbSNP rs1670269181, ClinGen allele CA343349886.
Genomic context (GRCh38, chr1:161,306,899, plus strand): 5'-CGAGGGTCCCCTACCCACTGGATGCGCTCTTTGAAGGTCCCCACCTCGTCAATGTAGGGT[T>G]GTCCCTTGGCATAGTGGAAGATCTATGAGGAATGAGGGGAAGCATGTGAGAGGACCCTAA-3'
Protein context (NP_000521.2, residues 76-96): AISIFHYAKG[Gln86Pro]PYIDEVGTFK